The following is an entry in ClinVar:

NM_006019.4(TCIRG1):c.797del (p.Glu266fs)

Gene: TCIRG1 (T cell immune regulator 1, ATPase H+ transporting V0 subunit a3; plus strand). Cytogenetic location: 11q13.2.
Variant type: Deletion.
Coding change: c.797del on transcript NM_006019.4 (MANE Select); coding-DNA position 797, one base deleted (A; older notation c.797delA).
Protein change: p.Glu266fs; shifts the reading frame from glutamic acid 266.
Molecular consequence: frameshift variant. On other transcripts: 5 prime UTR variant (1).
Genome position (GRCh38, 1-based): chr11:68,043,897, A deleted. VCF-style (leftmost placement, unchanged base first): chr11-68043896-GA-G. GRCh37 (hg19) VCF-style: chr11-67811363-GA-G.
Other names: c.-98del (NM_001351059.2); c.149del, p.Glu50fs (NM_006053.4); short protein forms E266fs, E50fs.
Identifiers: ClinVar variation 1068788 (VCV001068788.9), dbSNP rs1431956318, ClinGen allele CA679550571.
Genomic context (GRCh38, chr11:68,043,896, plus strand): 5'-TTTCTGCAGCAGGAGGAGGCCCGCCTCGGGGCCCTGCAGCAGCTGCAACAGCAGAGCCAG[GA>G]GCTGCAGGAGGTGGGTGCCCCCGGCCTTCCGGAGGCGGGTGTAGGAGGTGGGTGCCCCCG-3'

ClinVar aggregate classification (germline): Pathogenic. Review status: criteria provided, multiple submitters, no conflicts (2 of 4 stars). 3 submissions from 3 submitters: Pathogenic (3). Last evaluated 2025-08-26.

Conditions:
Autosomal recessive osteopetrosis 1. Also called: ALBERS-SCHONBERG DISEASE, AUTOSOMAL RECESSIVE; TCIRG1-Related Osteopetrosis; TCIRG1-Related Autosomal Recessive Osteopetrosis. Identifiers: Orphanet 667, MedGen C1850127, MONDO:0009815, OMIM 259700.

Submissions (3):

Labcorp Genetics (formerly Invitae), Labcorp
Classification: Pathogenic. Last evaluated: 2025-08-26. Review status: criteria provided, single submitter. Criteria: Invitae Variant Classification Sherloc (09022015). Collection method: clinical testing. Allele origin: germline.
Comment: This sequence change creates a premature translational stop signal (p.Glu266Glyfs*13) in the TCIRG1 gene. It is expected to result in an absent or disrupted protein product. Loss-of-function variants in TCIRG1 are known to be pathogenic (PMID: 10888887, 10942435, 11532986, 19448635). This variant is not present in population databases (gnomAD no frequency). This variant has not been reported in the literature in individuals affected with TCIRG1-related conditions. ClinVar contains an entry for this variant (Variation ID: 1068788). For these reasons, this variant has been classified as Pathogenic.

Dasa
Classification: Pathogenic. Last evaluated: 2024-06-18. Review status: criteria provided, single submitter. Criteria: DASA Assertion Criteria. Collection method: clinical testing. Allele origin: germline.
Comment: NM_006019.4(TCIRG1):c.797del (p.Glu266Glyfs*13) introduces a premature termination codon predicted to result in loss of normal protein function. Loss-of-function is an established mechanism of disease for this gene. Based on the available data, this variant is classified as pathogenic.

Baylor Genetics
Classification: Pathogenic for Autosomal recessive osteopetrosis 1. Last evaluated: 2023-03-13. Review status: criteria provided, single submitter. Criteria: ACMG Guidelines, 2015. Collection method: clinical testing. Allele origin: unknown.

Literature cited by the submitters: PubMed 10888887 (cited by Labcorp Genetics (formerly Invitae), Labcorp); PubMed 10942435 (cited by Labcorp Genetics (formerly Invitae), Labcorp); PubMed 11532986 (cited by Labcorp Genetics (formerly Invitae), Labcorp); PubMed 19448635 (cited by Labcorp Genetics (formerly Invitae), Labcorp).